The following is an entry in ClinVar:

NM_001005242.3(PKP2):c.2392G>A (p.Val798Ile)

Gene: PKP2 (plakophilin 2; minus strand). Cytogenetic location: 12p11.21.
Variant type: single nucleotide variant.
Coding change: c.2392G>A on transcript NM_001005242.3 (MANE Select); coding-DNA position 2392, G replaced by A.
Protein change: p.Val798Ile; replaces valine 798 with isoleucine.
Molecular consequence: missense variant.
Genome position (GRCh38, 1-based): chr12:32,792,697, C>T on the plus strand (G>A on the coding strand, the complement: PKP2 is on the minus strand). VCF-style: chr12-32792697-C-T. GRCh37 (hg19) VCF-style: chr12-32945631-C-T.
Other names: p.V842I:GTC>ATC; c.2524G>A, p.Val842Ile (NM_004572.4); short protein forms V842I, V798I.
Identifiers: ClinVar variation 201959 (VCV000201959.26), dbSNP rs368633311, ClinGen allele CA012127.

ClinVar aggregate classification (germline): Conflicting classifications of pathogenicity. Review status: criteria provided, conflicting classifications (1 of 4 stars). 8 submissions from 8 submitters: Uncertain significance (4); Likely benign (4). Last evaluated 2026-01-18.

Conditions:
Cardiovascular phenotype. Identifiers: MedGen CN230736.
PKP2-related disorder. Also called: PKP2-related condition.
Arrhythmogenic right ventricular cardiomyopathy (ARVD). Also called: Arrhythmogenic Right Ventricular Cardiomyopathy (ARVC); Cardiomyopathy, ARVC; Arrhythmogenic cardiomyopathy; Arrhythmogenic right ventricular dysplasia. Identifiers: Orphanet 247, MedGen C0349788, MeSH D019571, MONDO:0016587. Disease mechanism: loss of function. Inheritance: Various modes of inheritance.
Cardiomyopathy (CMYO). Also called: Cardiomyopathies. Identifiers: Orphanet 167848, MedGen C0878544, MONDO:0004994, HP:0001638. Inheritance: Various modes of inheritance.
Arrhythmogenic right ventricular dysplasia 9 (ARVD9). Also called: Arrhythmogenic Right Ventricular Dysplasia/Cardiomyopathy 9; ARRHYTHMOGENIC RIGHT VENTRICULAR DYSPLASIA, FAMILIAL, 9. Identifiers: MedGen C1836906, MONDO:0012180, OMIM 609040.

Allele frequency attached by ClinVar (database versions not stated): gnomAD exomes 0.00007 and 0.00003; ExAC 0.00005; ESP Exome Variant Server 0.00023; gnomAD 0.00011; TOPMed 0.00019.
gnomAD v4.1: 58 of 1,613,906 alleles (0.0036%); highest among the groups gnomAD compares: African/African-American, 0.045%; no homozygotes.

Submissions (8):

Labcorp Genetics (formerly Invitae), Labcorp
Classification: Uncertain significance for Arrhythmogenic right ventricular dysplasia 9. Last evaluated: 2026-01-18. Review status: criteria provided, single submitter. Criteria: Invitae Variant Classification Sherloc (09022015). Collection method: clinical testing. Allele origin: germline.
Comment: This sequence change replaces valine, which is neutral and non-polar, with isoleucine, which is neutral and non-polar, at codon 842 of the PKP2 protein (p.Val842Ile). This variant is present in population databases (rs368633311, gnomAD 0.05%). This missense change has been observed in individual(s) with peripartum cardiomyopathy (PMID: 24558114, 30279520). ClinVar contains an entry for this variant (Variation ID: 201959). An algorithm developed to predict the effect of missense changes on protein structure and function (PolyPhen-2) suggests that this variant is likely to be tolerated. In summary, the available evidence is currently insufficient to determine the role of this variant in disease. Therefore, it has been classified as a Variant of Uncertain Significance.

GeneDx
Classification: Uncertain significance. Last evaluated: 2025-08-26. Review status: criteria provided, single submitter. Criteria: GeneDx Variant Classification Process June 2021. Collection method: clinical testing. Allele origin: germline. Affected: yes.
Comment: Reported in an individual with postpartum cardiomyopathy and in an individual with sudden cardiac arrest due to short-coupled variant of torsade de pointes (scTdP) who harbored additional cardiogenetic variants (PMID: 30279520, 24558114); In silico analysis suggests that this missense variant does not alter protein structure/function; This variant is associated with the following publications: (PMID: 30279520, 24558114)

All of Us Research Program, National Institutes of Health
Classification: Likely benign for Arrhythmogenic right ventricular cardiomyopathy. Last evaluated: 2024-08-29. Review status: criteria provided, single submitter. Criteria: ACMG Guidelines, 2015. Collection method: clinical testing. Allele origin: germline. Inheritance: Autosomal dominant inheritance. Observed: 18 variant alleles, 18 heterozygotes.
Comment: This study involves interpretation of variants in research participants for the purpose of population health screening. Participant phenotype was not available at the time of variant classification. Additional details can be found in publication PMID: 35346344, PMCID: PMC8962531

Color Diagnostics, LLC DBA Color Health
Classification: Likely benign for Cardiomyopathy. Last evaluated: 2024-05-06. Review status: criteria provided, single submitter. Criteria: ACMG Guidelines, 2015. Collection method: clinical testing. Allele origin: germline.

Women's Health and Genetics/Laboratory Corporation of America, LabCorp
Classification: Likely benign. Last evaluated: 2024-04-01. Review status: criteria provided, single submitter. Criteria: LabCorp Variant Classification Summary - May 2015. Collection method: clinical testing. Allele origin: germline.
Comment: Variant summary: PKP2 c.2524G>A (p.Val842Ile) results in a conservative amino acid change in the encoded protein sequence. Four of five in-silico tools predict a benign effect of the variant on protein function. The variant allele was found at a frequency of 6.8e-05 in 251428 control chromosomes, predominantly at a frequency of 0.00068 within the African or African-American subpopulation in the gnomAD database. The observed variant frequency within African or African-American control individuals in the gnomAD database is approximately 2-fold of the estimated maximal expected allele frequency for a pathogenic variant in PKP2 causing Arrhythmia phenotype (0.00043), strongly suggesting that the variant is a benign polymorphism found primarily in populations of African or African-American origin. c.2524G>A has been reported in the literature in individuals affected with peripartum cardiomyopath and ventricular fibrillation, without strong evidence for causality (Blancard_2018, van Spaendonch-Zwarts_2014). These report(s) do not provide unequivocal conclusions about association of the variant with Arrhythmia. To our knowledge, no experimental evidence demonstrating an impact on protein function has been reported. The following publications have been ascertained in the context of this evaluation (PMID: 30279520, 24558114). ClinVar contains an entry for this variant (Variation ID: 201959). Based on the evidence outlined above, the variant was classified as likely benign.

PreventionGenetics, part of Exact Sciences
Classification: Uncertain significance for PKP2-related condition. Last evaluated: 2023-01-05. Review status: criteria provided, single submitter. Criteria: ACMG Guidelines, 2015. Collection method: clinical testing. Allele origin: germline.
Comment: The PKP2 c.2524G>A variant is predicted to result in the amino acid substitution p.Val842Ile. This variant was reported as uncertain significance in an individual with peripartum cardiomyopathy (family SA1, patient II:5 in Tables 1 and S2, van Spaendonck-Zwarts et al. 2014. PubMed ID: 24558114). This variant is reported in 0.048% of alleles in individuals of African descent in gnomAD and has conflicting interpretations of pathogenicity in ClinVar ranging from likely benign to uncertain. Although we suspect that this variant may be benign, at this time, the clinical significance of this variant is uncertain due to the absence of conclusive functional and genetic evidence.

Ambry Genetics
Classification: Likely benign for Cardiovascular phenotype. Last evaluated: 2021-12-01. Review status: criteria provided, single submitter. Criteria: Ambry Variant Classification Scheme 2023. Collection method: clinical testing. Allele origin: germline.

Stanford Center for Inherited Cardiovascular Disease, Stanford University
Classification: Uncertain significance. Last evaluated: 2015-11-13. Review status: criteria provided, single submitter. Criteria: ACMG Guidelines, 2015. Collection method: provider interpretation. Allele origin: germline.

Literature cited by the submitters: PubMed 24558114 (cited by 3 submitters); PubMed 30279520 (cited by 3 submitters); PubMed 30260051 (cited by Ambry Genetics).